The following is an entry in ClinVar:

ClinVar aggregate classification (germline): Uncertain significance (1 of 4 stars; one submission).

gnomAD v4.1: 1 of 1,612,984 alleles (0.000062%); highest among the groups gnomAD compares: Admixed American, 0.0017%; no homozygotes.

Submission:

Ambry Genetics
Classification: Uncertain significance. Last evaluated: 2023-11-03. Review status: criteria provided, single submitter. Criteria: Ambry Variant Classification Scheme 2023. Collection method: clinical testing. Allele origin: germline.
Comment: The p.T404I variant (also known as c.1211C>T), located in coding exon 4 of the PALLD gene, results from a C to T substitution at nucleotide position 1211. The threonine at codon 404 is replaced by isoleucine, an amino acid with similar properties. This amino acid position is conserved. In addition, the in silico prediction for this alteration is inconclusive. Since supporting evidence is limited at this time, the clinical significance of this alteration remains unclear.

NM_001166108.2(PALLD):c.1211C>T (p.Thr404Ile)

Gene: PALLD (palladin, cytoskeletal associated protein; plus strand). Cytogenetic location: 4q32.3.
Variant type: single nucleotide variant.
Coding change: c.1211C>T on transcript NM_001166108.2 (MANE Select); coding-DNA position 1211, C replaced by T.
Protein change: p.Thr404Ile; replaces threonine 404 with isoleucine.
Molecular consequence: missense variant.
Genome position (GRCh38, 1-based): chr4:168,683,054, C>T. VCF-style: chr4-168683054-C-T. GRCh37 (hg19) VCF-style: chr4-169604205-C-T.
Other names: c.65C>T, p.Thr22Ile (NM_001166109.2); c.1211C>T, p.Thr404Ile (NM_016081.4); short protein forms T22I, T404I.
Identifiers: ClinVar variation 3226718 (VCV003226718.1), dbSNP rs1304151546, ClinGen allele CA358794262.